The following is an entry in ClinVar:

NM_001458.5(FLNC):c.6577A>T (p.Ile2193Phe)

Genes: FLNC (filamin C; plus strand), FLNC-AS1 (FLNC antisense RNA 1; minus strand). Cytogenetic location: 7q32.1.
Variant type: single nucleotide variant.
Coding change: c.6577A>T on transcript NM_001458.5 (MANE Select); coding-DNA position 6577, A replaced by T.
Protein change: p.Ile2193Phe; replaces isoleucine 2193 with phenylalanine.
Molecular consequence: missense variant.
Genome position (GRCh38, 1-based): chr7:128,854,066, A>T. VCF-style: chr7-128854066-A-T. GRCh37 (hg19) VCF-style: chr7-128494120-A-T.
Other names: c.6478A>T, p.Ile2160Phe (NM_001127487.2); short protein forms I2160F, I2193F.
Identifiers: ClinVar variation 3515944 (VCV003515944.1).

ClinVar aggregate classification (germline): Uncertain significance (1 of 4 stars; one submission).

Conditions:
Cardiovascular phenotype. Identifiers: MedGen CN230736.

Submission:

Ambry Genetics
Classification: Uncertain significance for Cardiovascular phenotype. Last evaluated: 2024-09-20. Review status: criteria provided, single submitter. Criteria: Ambry Variant Classification Scheme 2023. Collection method: clinical testing. Allele origin: germline.
Comment: The p.I2193F variant (also known as c.6577A>T), located in coding exon 40 of the FLNC gene, results from an A to T substitution at nucleotide position 6577. The isoleucine at codon 2193 is replaced by phenylalanine, an amino acid with highly similar properties. This amino acid position is conserved. In addition, the in silico prediction for this alteration is inconclusive. Based on the available evidence, the clinical significance of this variant remains unclear.